The following is an entry in ClinVar:

ClinVar aggregate classification (germline): Uncertain significance. Review status: criteria provided, multiple submitters, no conflicts (2 of 4 stars). 2 submissions from 2 submitters: Uncertain significance (2). Last evaluated 2025-10-17.

Conditions:
Hereditary spastic paraplegia 73. Also called: Spastic paraplegia 73, autosomal dominant. Identifiers: Orphanet 444099, MedGen C5568981, MONDO:0014568, OMIM 616282.

Allele frequency attached by ClinVar (database versions not stated): gnomAD exomes below 0.00001; gnomAD 0.00001; TOPMed 0.00001.
gnomAD v4.1: 9 of 1,614,046 alleles (0.00056%); highest among the groups gnomAD compares: Non-Finnish European, 0.00068%; no homozygotes.

Submissions (2):

Ambry Genetics
Classification: Uncertain significance. Last evaluated: 2025-10-17. Review status: criteria provided, single submitter. Criteria: Ambry Variant Classification Scheme 2023. Collection method: clinical testing. Allele origin: germline.

Labcorp Genetics (formerly Invitae), Labcorp
Classification: Uncertain significance for Hereditary spastic paraplegia 73. Last evaluated: 2023-10-06. Review status: criteria provided, single submitter. Criteria: Invitae Variant Classification Sherloc (09022015). Collection method: clinical testing. Allele origin: germline.
Comment: This sequence change replaces arginine, which is basic and polar, with threonine, which is neutral and polar, at codon 41 of the CPT1C protein (p.Arg41Thr). This variant is present in population databases (no rsID available, gnomAD 0.0009%). This variant has not been reported in the literature in individuals affected with CPT1C-related conditions. An algorithm developed to predict the effect of missense changes on protein structure and function (PolyPhen-2) suggests that this variant is likely to be disruptive. In summary, the available evidence is currently insufficient to determine the role of this variant in disease. Therefore, it has been classified as a Variant of Uncertain Significance.

NM_001199753.2(CPT1C):c.122G>C (p.Arg41Thr)

Gene: CPT1C (carnitine palmitoyltransferase 1C; plus strand). Cytogenetic location: 19q13.33.
Variant type: single nucleotide variant.
Coding change: c.122G>C on transcript NM_001199753.2 (MANE Select); coding-DNA position 122, G replaced by C.
Protein change: p.Arg41Thr; replaces arginine 41 with threonine.
Molecular consequence: missense variant. On other transcripts: non-coding transcript variant (1).
Genome position (GRCh38, 1-based): chr19:49,692,374, G>C. VCF-style: chr19-49692374-G-C. GRCh37 (hg19) VCF-style: chr19-50195631-G-C.
Other names: c.122G>C, p.Arg41Thr (NM_001136052.3, NM_001199752.3, NM_001378482.1 and 7 more transcripts); c.122G>C (NM_001199752.1); short protein forms R41T.
Identifiers: ClinVar variation 2695500 (VCV002695500.4), dbSNP rs1407539152, ClinGen allele CA406894201.